The following is an entry in ClinVar:

NM_002349.4(LY75):c.5114G>C (p.Arg1705Pro)

Genes: LY75 (lymphocyte antigen 75; minus strand), LY75-CD302 (LY75-CD302 readthrough; minus strand). Cytogenetic location: 2q24.2.
Variant type: single nucleotide variant.
Coding change: c.5114G>C on transcript NM_002349.4 (MANE Select); coding-DNA position 5114, G replaced by C.
Protein change: p.Arg1705Pro; replaces arginine 1705 with proline.
Molecular consequence: missense variant. On other transcripts: intron variant (2).
Genome position (GRCh38, 1-based): chr2:159,805,099, C>G on the plus strand (G>C on the coding strand, the complement: LY75 is on the minus strand). VCF-style: chr2-159805099-C-G. GRCh37 (hg19) VCF-style: chr2-160661610-C-G.
Other names: c.4822+3350G>C (NM_001198760.1); c.4990+1874G>C (NM_001198759.1); c.5114G>C (NM_002349.3); short protein forms R1705P.
Identifiers: ClinVar variation 2651459 (VCV002651459.25), dbSNP rs34034503, ClinGen allele CA1926040.

ClinVar aggregate classification (germline): Conflicting classifications of pathogenicity. Review status: criteria provided, conflicting classifications (1 of 4 stars). 2 submissions from 2 submitters: Uncertain significance (1); Likely benign (1). Last evaluated 2025-03-07.

Allele frequency attached by ClinVar (database versions not stated): ExAC 0.00073; ESP Exome Variant Server 0.00100; 1000 Genomes Project 0.00120; gnomAD 0.00130; 1000 Genomes Project 30x 0.00172.
gnomAD v4.1: 2,244 of 1,614,068 alleles (0.14%); highest among the groups gnomAD compares: Admixed American, 0.22%; 4 homozygotes.

Submissions (2):

Ambry Genetics
Classification: Uncertain significance. Last evaluated: 2025-03-07. Review status: criteria provided, single submitter. Criteria: Ambry Variant Classification Scheme 2023. Collection method: clinical testing. Allele origin: germline.

CeGaT Center for Human Genetics Tuebingen
Classification: Likely benign. Last evaluated: 2023-08-01. Review status: criteria provided, single submitter. Criteria: CeGaT Center For Human Genetics Tuebingen Variant Classification Criteria Version 2. Collection method: clinical testing. Allele origin: germline. Affected: yes. Observed: 1 variant allele.
Comment: LY75: BP4